The following is an entry in ClinVar:

ClinVar aggregate classification (germline): Uncertain significance (1 of 4 stars; one submission).

gnomAD v4.1: 2 of 1,613,946 alleles (0.00012%); highest among the groups gnomAD compares: Admixed American, 0.0017%; no homozygotes.

Submission:

Labcorp Genetics (formerly Invitae), Labcorp
Classification: Uncertain significance. Last evaluated: 2022-10-23. Review status: criteria provided, single submitter. Criteria: Invitae Variant Classification Sherloc (09022015). Collection method: clinical testing. Allele origin: germline.
Comment: In summary, the available evidence is currently insufficient to determine the role of this variant in disease. Therefore, it has been classified as a Variant of Uncertain Significance. Algorithms developed to predict the effect of missense changes on protein structure and function (SIFT, PolyPhen-2, Align-GVGD) all suggest that this variant is likely to be tolerated. This variant has not been reported in the literature in individuals affected with KIF20A-related conditions. This variant is present in population databases (rs148685779, gnomAD 0.003%). This sequence change replaces histidine, which is basic and polar, with proline, which is neutral and non-polar, at codon 711 of the KIF20A protein (p.His711Pro).

NM_005733.3(KIF20A):c.2132A>C (p.His711Pro)

Gene: KIF20A (kinesin family member 20A; plus strand). Cytogenetic location: 5q31.2.
Variant type: single nucleotide variant.
Coding change: c.2132A>C on transcript NM_005733.3 (MANE Select); coding-DNA position 2132, A replaced by C.
Protein change: p.His711Pro; replaces histidine 711 with proline.
Molecular consequence: missense variant.
Genome position (GRCh38, 1-based): chr5:138,185,967, A>C. VCF-style: chr5-138185967-A-C. GRCh37 (hg19) VCF-style: chr5-137521656-A-C.
Other names: short protein forms H711P.
Identifiers: ClinVar variation 1964234 (VCV001964234.5), dbSNP rs148685779, ClinGen allele CA3426832.